The following is an entry in ClinVar:

NM_000218.3(KCNQ1):c.1514+37467C>G

Genes: KCNQ1 (potassium voltage-gated channel subfamily Q member 1; plus strand), KCNQ1OT1 (KCNQ1 opposite strand/antisense transcript 1; minus strand). Cytogenetic location: 11p15.5.
Variant type: single nucleotide variant.
Coding change: c.1514+37467C>G on transcript NM_000218.3 (MANE Select); 37467 bases into the intron after coding-DNA position 1514, C replaced by G.
Molecular consequence: intron variant. On other transcripts: non-coding transcript variant (1).
Genome position (GRCh38, 1-based): chr11:2,699,548, C>G. VCF-style: chr11-2699548-C-G. GRCh37 (hg19) VCF-style: chr11-2720778-C-G.
Other names: c.1244+37467C>G (NM_001406837.1); c.1418+37467C>G (NM_001406836.1); c.974+37467C>G (NM_001406838.1); c.1133+37467C>G (NM_181798.2).
Identifiers: ClinVar variation 3771799 (VCV003771799.13).

ClinVar aggregate classification (germline): Benign (1 of 4 stars; one submission).

gnomAD v4.1: 63 of 355,238 alleles (0.018%); highest among the groups gnomAD compares: African/African-American, 0.14%; no homozygotes.

Submission:

CeGaT Center for Human Genetics Tuebingen
Classification: Benign. Last evaluated: 2025-01-01. Review status: criteria provided, single submitter. Criteria: CeGaT Center For Human Genetics Tuebingen Variant Classification Criteria Version 2. Collection method: clinical testing. Allele origin: germline. Affected: yes. Observed: 1 variant allele.
Comment: KCNQ1OT1: BS1, BS2